The following is an entry in ClinVar:

NM_004519.4(KCNQ3):c.1045-278G>A

Gene: KCNQ3 (potassium voltage-gated channel subfamily Q member 3; minus strand). Cytogenetic location: 8q24.22.
Variant type: single nucleotide variant.
Coding change: c.1045-278G>A on transcript NM_004519.4 (MANE Select); 278 bases into the intron before coding-DNA position 1045, G replaced by A.
Molecular consequence: intron variant.
Genome position (GRCh38, 1-based): chr8:132,172,971, C>T on the plus strand (G>A on the coding strand, the complement: KCNQ3 is on the minus strand). VCF-style: chr8-132172971-C-T. GRCh37 (hg19) VCF-style: chr8-133185218-C-T.
Other names: c.685-278G>A (NM_001204824.2).
Identifiers: ClinVar variation 683734 (VCV000683734.1), dbSNP rs115115273, ClinGen allele CA186223233.

ClinVar aggregate classification (germline): Likely benign (1 of 4 stars; one submission).

Allele frequency attached by ClinVar (database versions not stated): gnomAD 0.00931 and 0.00966; 1000 Genomes Project 30x 0.00968; 1000 Genomes Project 0.01018; TOPMed 0.01086.
gnomAD v4.1: 1,456 of 152,292 alleles (0.96%); highest among the groups gnomAD compares: Middle Eastern, 2.7%; 14 homozygotes.

Submission:

GeneDx
Classification: Likely benign. Last evaluated: 2018-06-19. Review status: criteria provided, single submitter. Criteria: GeneDx Variant Classification (06012015). Collection method: clinical testing. Allele origin: germline. Affected: yes.
Comment: This variant is considered likely benign or benign based on one or more of the following criteria: it is a conservative change, it occurs at a poorly conserved position in the protein, it is predicted to be benign by multiple in silico algorithms, and/or has population frequency not consistent with disease.